The following is an entry in ClinVar:

ClinVar aggregate classification (germline): Pathogenic. Review status: reviewed by expert panel (3 of 4 stars). 5 submissions from 5 submitters: Pathogenic (1). 4 of the submissions do not count toward it. Last evaluated 2016-09-08.

Conditions:
Hereditary breast ovarian cancer syndrome. Also called: BRCA1- and BRCA2-Associated Hereditary Breast and Ovarian Cancer; Hereditary breast and ovarian cancer syndrome; Hereditary breast and ovarian cancer syndrome (HBOC); Breast and ovarian cancer; Hereditary breast and/or ovarian cancer syndrome; Hereditary breast and ovarian cancer. Identifiers: Orphanet 145, MedGen C0677776, MeSH D061325, MONDO:0003582. Disease mechanism: loss of function.
Breast-ovarian cancer, familial, susceptibility to, 1 (BROVCA1). Also called: BRCA1 Hereditary Breast and Ovarian Cancer; OVARIAN CANCER, SUSCEPTIBILITY TO. Identifiers: Orphanet 145, MedGen C2676676, MONDO:0011450, OMIM 604370. Disease mechanism: loss of function.

Submissions (5):

Evidence-based Network for the Interpretation of Germline Mutant Alleles (ENIGMA)
Classification: Pathogenic for Breast-ovarian cancer, familial, susceptibility to, 1. Last evaluated: 2016-09-08. Review status: reviewed by expert panel. Criteria: ENIGMA BRCA1/2 Classification Criteria (2015). Collection method: curation. Allele origin: germline.
Comment: Variant allele predicted to encode a truncated non-functional protein.

Labcorp Genetics (formerly Invitae), Labcorp
Classification: Pathogenic for Hereditary breast ovarian cancer syndrome. Last evaluated: 2022-09-03. Review status: criteria provided, single submitter. Criteria: Invitae Variant Classification Sherloc (09022015). Collection method: clinical testing. Allele origin: germline. Not counted in ClinVar's aggregate classification.
Comment: For these reasons, this variant has been classified as Pathogenic. ClinVar contains an entry for this variant (Variation ID: 54924). This variant is also known as c3586_3587insA. This premature translational stop signal has been observed in individual(s) with breast and/or ovarian cancer (PMID: 16905680). This variant is not present in population databases (gnomAD no frequency). This sequence change creates a premature translational stop signal (p.Thr1196Asnfs*23) in the BRCA1 gene. It is expected to result in an absent or disrupted protein product. Loss-of-function variants in BRCA1 are known to be pathogenic (PMID: 20104584).

GeneDx
Classification: Pathogenic. Last evaluated: 2022-06-23. Review status: criteria provided, single submitter. Criteria: GeneDx Variant Classification Process June 2021. Collection method: clinical testing. Allele origin: germline. Affected: yes. Not counted in ClinVar's aggregate classification.
Comment: Frameshift variant predicted to result in protein truncation or nonsense mediated decay in a gene for which loss of function is a known mechanism of disease; Observed in one French-Canadian family at high risk of breast or ovarian cancer (Simard 2007); Not observed at significant frequency in large population cohorts (gnomAD); Truncating variants in this gene are considered pathogenic by a well-established clinical consortium and/or database; Also known as 3705dup; 3705dupA; This variant is associated with the following publications: (PMID: 16905680)

Consortium of Investigators of Modifiers of BRCA1/2 (CIMBA), c/o University of Cambridge
Classification: Pathogenic for Breast-ovarian cancer, familial, susceptibility to, 1. Last evaluated: 2015-10-02. Review status: criteria provided, single submitter. Criteria: CIMBA Mutation Classification guidelines May 2016. Collection method: clinical testing. Allele origin: germline. Not counted in ClinVar's aggregate classification.

Breast Cancer Information Core (BIC) (BRCA1)
Classification: Pathogenic for Breast-ovarian cancer, familial 1. Last evaluated: 1999-04-06. Review status: no assertion criteria provided. Collection method: clinical testing. Allele origin: germline. Affected: yes. Observed: 1 variant allele. Not counted in ClinVar's aggregate classification.

Literature cited by the submitters: PubMed 16905680 (cited by Labcorp Genetics (formerly Invitae), Labcorp); PubMed 20104584 (cited by Labcorp Genetics (formerly Invitae), Labcorp).

NM_007294.4(BRCA1):c.3586dup (p.Thr1196fs)

Genes: BRCA1 (BRCA1 DNA repair associated; minus strand), LOC126862571 (BRD4-independent group 4 enhancer GRCh37_chr17:41243136-41244335; plus strand). Cytogenetic location: 17q21.31.
Variant type: Duplication.
Coding change: c.3586dup on transcript NM_007294.4 (MANE Select); coding-DNA position 3586, one base duplicated (A; older notation c.3586dupA).
Protein change: p.Thr1196fs; shifts the reading frame from threonine 1196.
Molecular consequence: frameshift variant. On other transcripts: intron variant (135).
Genome position (GRCh38, 1-based): chr17:43,091,945, T duplicated on the plus strand (A on the coding strand, the reverse complement: BRCA1 is on the minus strand). VCF-style (leftmost placement, unchanged base first): chr17-43091944-G-GT. GRCh37 (hg19) VCF-style: chr17-41243961-G-GT.
Other names: 3705insA; c.3445dup, p.Thr1149fs (NM_001407692.1, NM_001407694.1, NM_001407695.1 and 29 more transcripts); c.3442dup, p.Thr1148fs (NM_001407740.1, NM_001407741.1, NM_001407742.1 and 20 more transcripts); c.3373dup, p.Thr1125fs (NM_001407853.1, NM_001407894.1, NM_001407895.1 and 9 more transcripts); c.3586dup, p.Thr1196fs (NM_001407854.1, NM_001407858.1, NM_001407859.1 and 30 more transcripts); c.3583dup, p.Thr1195fs (NM_001407860.1, NM_001407861.1, NM_001407587.1 and 22 more transcripts); c.3385dup, p.Thr1129fs (NM_001407862.1); c.3463dup, p.Thr1155fs (NM_001407863.1, NM_001407919.1, NM_001407937.1 and 19 more transcripts); and 43 more; short protein forms T1149fs, T1196fs, T1085fs, T1108fs, T1155fs, T328fs, T900fs, T1028fs.
Identifiers: ClinVar variation 54924 (VCV000054924.11), dbSNP rs80357531, ClinGen allele CA002286.